The following is an entry in ClinVar:

NM_014704.4(CEP104):c.2151+3T>C

Gene: CEP104 (centrosomal protein 104; minus strand). Cytogenetic location: 1p36.32.
Variant type: single nucleotide variant.
Coding change: c.2151+3T>C on transcript NM_014704.4 (MANE Select); 3 bases into the intron after coding-DNA position 2151, T replaced by C.
Molecular consequence: intron variant.
Genome position (GRCh38, 1-based): chr1:3,829,263, A>G on the plus strand (T>C on the coding strand, the complement: CEP104 is on the minus strand). VCF-style: chr1-3829263-A-G. GRCh37 (hg19) VCF-style: chr1-3745827-A-G.
Identifiers: ClinVar variation 1519223 (VCV001519223.6), dbSNP rs771237087, ClinGen allele CA551405.

ClinVar aggregate classification (germline): Uncertain significance (1 of 4 stars; one submission).

Conditions:
Joubert syndrome 25 (JBTS25). Identifiers: Orphanet 475, MedGen C4084842, MONDO:0014770, OMIM 616781.

Allele frequency attached by ClinVar (database versions not stated): gnomAD exomes below 0.00001; ExAC 0.00001.
gnomAD v4.1: 2 of 1,576,818 alleles (0.00013%); highest among the groups gnomAD compares: Middle Eastern, 0.017%; no homozygotes.

Submission:

Labcorp Genetics (formerly Invitae), Labcorp
Classification: Uncertain significance for Joubert syndrome 25. Last evaluated: 2021-09-15. Review status: criteria provided, single submitter. Criteria: Invitae Variant Classification Sherloc (09022015). Collection method: clinical testing. Allele origin: germline.
Comment: In summary, the available evidence is currently insufficient to determine the role of this variant in disease. Therefore, it has been classified as a Variant of Uncertain Significance. Variants that disrupt the consensus splice site are a relatively common cause of aberrant splicing (PMID: 17576681, 9536098). Algorithms developed to predict the effect of sequence changes on RNA splicing suggest that this variant is not likely to affect RNA splicing. This variant has not been reported in the literature in individuals affected with CEP104-related conditions. This variant is present in population databases (rs771237087, ExAC 0.008%). This sequence change falls in intron 15 of the CEP104 gene. It does not directly change the encoded amino acid sequence of the CEP104 protein. It affects a nucleotide within the consensus splice site of the intron.

Literature cited by the submitters: PubMed 17576681; PubMed 9536098.